The following is an entry in ClinVar:

NM_001127644.2(GABRA1):c.1059+15G>A

Gene: GABRA1 (gamma-aminobutyric acid type A receptor subunit alpha1; plus strand). Cytogenetic location: 5q34.
Variant type: single nucleotide variant.
Coding change: c.1059+15G>A on transcript NM_001127644.2 (MANE Select); 15 bases into the intron after coding-DNA position 1059, G replaced by A.
Molecular consequence: intron variant.
Genome position (GRCh38, 1-based): chr5:161,895,883, G>A. VCF-style: chr5-161895883-G-A. GRCh37 (hg19) VCF-style: chr5-161322889-G-A.
Other names: c.1059+15G>A (NM_000806.5, NM_001127643.2, NM_001127645.2 and 1 more transcripts).
Identifiers: ClinVar variation 93431 (VCV000093431.22), dbSNP rs2279020, ClinGen allele CA146972.
Genomic context (GRCh38, chr5:161,895,883, plus strand): 5'-TAAGAGAGGTTATGCATGGGATGGCAAAAGTGTGGTTCCAGAAAAGGTAAATGCTTTAAT[G>A]GTCACTGTAGTACATCAATATTATGTCTCTTTAAACCTATGAAATGAGATGTTTTGGCCT-3'

ClinVar aggregate classification (germline): Benign. Review status: criteria provided, multiple submitters, no conflicts (2 of 4 stars). 7 submissions from 7 submitters: Benign (7). Last evaluated 2026-02-04.

Conditions:
Epilepsy, idiopathic generalized, susceptibility to, 13. Also called: EPILEPSY, JUVENILE MYOCLONIC, SUSCEPTIBILITY TO, 5. Identifiers: Orphanet 307, Orphanet 64280, MedGen C4013473, MONDO:0012627, OMIM 611136.
Idiopathic generalized epilepsy. Also called: EIG; Generalised epilepsy. Identifiers: MedGen C0270850, MONDO:0005579, OMIM 600669.
Epilepsy, childhood absence 4 (ECA4). Also called: EPILEPSY, CHILDHOOD ABSENCE, SUSCEPTIBILITY TO, 4. Identifiers: Orphanet 307, MedGen C1970160.
Developmental and epileptic encephalopathy, 19 (DEE19). Also called: Epileptic encephalopathy, early infantile, 19. Identifiers: Orphanet 33069, MedGen C3810400, MONDO:0014328, OMIM 615744.

Allele frequency attached by ClinVar (database versions not stated): gnomAD 0.62825 and 0.62585; TOPMed 0.63351; ESP Exome Variant Server 0.63786; 1000 Genomes Project 30x 0.59869; ExAC 0.61914; gnomAD exomes 0.64840 and 0.62128; 1000 Genomes Project 0.59605.
gnomAD v4.1: 1,034,144 of 1,601,462 alleles (65%); highest among the groups gnomAD compares: Admixed American, 71%; 336,405 homozygotes.

Submissions (7):

Labcorp Genetics (formerly Invitae), Labcorp
Classification: Benign for Epilepsy, childhood absence 4; Epilepsy, idiopathic generalized, susceptibility to, 13; Idiopathic generalized epilepsy. Last evaluated: 2026-02-04. Review status: criteria provided, single submitter. Criteria: Invitae Variant Classification Sherloc (09022015). Collection method: clinical testing. Allele origin: germline.

Unidad de Genómica Garrahan, Hospital de Pediatría Garrahan
Classification: Benign. Last evaluated: 2024-07-15. Review status: criteria provided, single submitter. Criteria: ACMG Guidelines, 2015. Collection method: clinical testing. Allele origin: germline. Affected: no. Observed: 79 variant alleles.
Comment: This variant is classified as Benign based on local population frequency. This variant was detected in 85% of patients studied in a panel designed for Epileptic and Developmental Encephalopathy and Progressive Myoclonus Epilepsy. Number of patients: 79. Only high quality variants are reported.

Genome-Nilou Lab
Classification: Benign for Developmental and epileptic encephalopathy, 19. Last evaluated: 2021-08-10. Review status: criteria provided, single submitter. Criteria: ACMG Guidelines, 2015. Collection method: clinical testing. Allele origin: germline. Affected: no.

Illumina Laboratory Services, Illumina
Classification: Benign for Epilepsy, idiopathic generalized, susceptibility to, 13. Last evaluated: 2018-01-13. Review status: criteria provided, single submitter. Criteria: ICSL Variant Classification Criteria 13 December 2019. Collection method: clinical testing. Allele origin: germline.
Comment: This variant was observed in the ICSL laboratory as part of a predisposition screen in an ostensibly healthy population. It had not been previously curated by ICSL or reported in the Human Gene Mutation Database (HGMD: prior to June 1st, 2018), and was therefore a candidate for classification through an automated scoring system. Utilizing variant allele frequency, disease prevalence and penetrance estimates, and inheritance mode, an automated score was calculated to assess if this variant is too frequent to cause the disease. Based on the score and internal cut-off values, a variant classified as benign is not then subjected to further curation. The score for this variant resulted in a classification of benign for this disease.

GeneDx
Classification: Benign. Last evaluated: 2015-03-03. Review status: criteria provided, single submitter. Criteria: GeneDx Variant Classification Process June 2021. Collection method: clinical testing. Allele origin: germline. Affected: yes.

Eurofins Ntd Llc (ga)
Classification: Benign. Last evaluated: 2013-07-03. Review status: criteria provided, single submitter. Criteria: EGL Classification Definitions 2015. Collection method: clinical testing. Allele origin: germline. Observed: 1 variant allele, 1 heterozygote.

PreventionGenetics, part of Exact Sciences
Classification: Benign. Review status: criteria provided, single submitter. Criteria: ACMG Guidelines, 2015. Collection method: clinical testing. Allele origin: germline.